The following is an entry in ClinVar:

ClinVar aggregate classification (germline): Uncertain significance (1 of 4 stars; one submission).

Conditions:
Fibrous dysplasia of jaw (CRBM). Also called: Cherubism. Identifiers: Orphanet 184, MedGen C0008029, MONDO:0007315, OMIM 118400.

Allele frequency attached by ClinVar (database versions not stated): gnomAD exomes below 0.00001; TOPMed 0.00001.
gnomAD v4.1: 12 of 1,614,036 alleles (0.00074%); highest among the groups gnomAD compares: Non-Finnish European, 0.001%; no homozygotes.

Submission:

Labcorp Genetics (formerly Invitae), Labcorp
Classification: Uncertain significance for Fibrous dysplasia of jaw. Last evaluated: 2025-04-13. Review status: criteria provided, single submitter. Criteria: Invitae Variant Classification Sherloc (09022015). Collection method: clinical testing. Allele origin: germline.
Comment: This sequence change replaces phenylalanine, which is neutral and non-polar, with leucine, which is neutral and non-polar, at codon 94 of the SH3BP2 protein (p.Phe94Leu). This variant is not present in population databases (gnomAD no frequency). This variant has not been reported in the literature in individuals affected with SH3BP2-related conditions. ClinVar contains an entry for this variant (Variation ID: 1423067). Invitae Evidence Modeling of protein sequence and biophysical properties (such as structural, functional, and spatial information, amino acid conservation, physicochemical variation, residue mobility, and thermodynamic stability) indicates that this missense variant is not expected to disrupt SH3BP2 protein function with a negative predictive value of 95%. In summary, the available evidence is currently insufficient to determine the role of this variant in disease. Therefore, it has been classified as a Variant of Uncertain Significance.

NM_001122681.2(SH3BP2):c.282C>G (p.Phe94Leu)

Gene: SH3BP2 (SH3 domain binding protein 2; plus strand). Cytogenetic location: 4p16.3.
Variant type: single nucleotide variant.
Coding change: c.282C>G on transcript NM_001122681.2 (MANE Select); coding-DNA position 282, C replaced by G.
Protein change: p.Phe94Leu; replaces phenylalanine 94 with leucine.
Molecular consequence: missense variant.
Genome position (GRCh38, 1-based): chr4:2,824,655, C>G. VCF-style: chr4-2824655-C-G. GRCh37 (hg19) VCF-style: chr4-2826382-C-G.
Other names: c.366C>G, p.Phe122Leu (NM_001145855.2); c.453C>G, p.Phe151Leu (NM_001145856.2); c.282C>G, p.Phe94Leu (NM_003023.4); short protein forms F151L, F94L, F122L.
Identifiers: ClinVar variation 1423067 (VCV001423067.8), dbSNP rs1278859289, ClinGen allele CA356053757.